The following is an entry in ClinVar:

ClinVar aggregate classification (germline): Uncertain significance (1 of 4 stars; one submission).

Conditions:
RASopathy. Also called: rasopathies; Noonan spectrum disorder. Identifiers: Orphanet 536391, MedGen C5555857, MONDO:0021060.

Submission:

Labcorp Genetics (formerly Invitae), Labcorp
Classification: Uncertain significance for RASopathy. Last evaluated: 2022-07-26. Review status: criteria provided, single submitter. Criteria: Invitae Variant Classification Sherloc (09022015). Collection method: clinical testing. Allele origin: germline.
Comment: This sequence change replaces asparagine, which is neutral and polar, with serine, which is neutral and polar, at codon 317 of the SHOC2 protein (p.Asn317Ser). This variant is not present in population databases (gnomAD no frequency). This variant has not been reported in the literature in individuals affected with SHOC2-related conditions. ClinVar contains an entry for this variant (Variation ID: 408333). In summary, the available evidence is currently insufficient to determine the role of this variant in disease. Therefore, it has been classified as a Variant of Uncertain Significance. Algorithms developed to predict the effect of missense changes on protein structure and function (SIFT, PolyPhen-2, Align-GVGD) all suggest that this variant is likely to be disruptive.

NM_007373.4(SHOC2):c.950A>G (p.Asn317Ser)

Gene: SHOC2 (SHOC2 leucine rich repeat scaffold protein; plus strand). Cytogenetic location: 10q25.2.
Variant type: single nucleotide variant.
Coding change: c.950A>G on transcript NM_007373.4 (MANE Select); coding-DNA position 950, A replaced by G.
Protein change: p.Asn317Ser; replaces asparagine 317 with serine.
Molecular consequence: missense variant. On other transcripts: non-coding transcript variant (1).
Genome position (GRCh38, 1-based): chr10:111,000,523, A>G. VCF-style: chr10-111000523-A-G. GRCh37 (hg19) VCF-style: chr10-112760281-A-G.
Other names: c.812A>G, p.Asn271Ser (NM_001269039.3); c.950A>G, p.Asn317Ser (NM_001324336.2, NM_001324337.2); short protein forms N317S, N271S.
Identifiers: ClinVar variation 408333 (VCV000408333.8), dbSNP rs1060501927, ClinGen allele CA16612742.